The following is an entry in ClinVar:

NM_021803.4(IL21):c.100C>T (p.Arg34Cys)

Genes: IL21 (interleukin 21; minus strand), IL21-AS1 (IL21 antisense RNA 1; plus strand), LOC126807147 (CDK7 strongly-dependent group 2 enhancer GRCh37_chr4:123541308-123542507; plus strand). Cytogenetic location: 4q27.
Variant type: single nucleotide variant.
Coding change: c.100C>T on transcript NM_021803.4 (MANE Select); coding-DNA position 100, C replaced by T.
Protein change: p.Arg34Cys; replaces arginine 34 with cysteine.
Molecular consequence: missense variant. On other transcripts: non-coding transcript variant (1).
Genome position (GRCh38, 1-based): chr4:122,620,912, G>A on the plus strand (C>T on the coding strand, the complement: IL21 is on the minus strand). VCF-style: chr4-122620912-G-A. GRCh37 (hg19) VCF-style: chr4-123542067-G-A.
Other names: c.100C>T, p.Arg34Cys (NM_001207006.3); short protein forms R34C.
Identifiers: ClinVar variation 1439105 (VCV001439105.8), dbSNP rs1216808032, ClinGen allele CA358221744.

ClinVar aggregate classification (germline): Uncertain significance (1 of 4 stars; one submission).

Allele frequency attached by ClinVar (database versions not stated): gnomAD exomes below 0.00001; TOPMed 0.00002.
gnomAD v4.1: 5 of 1,614,016 alleles (0.00031%); highest among the groups gnomAD compares: East Asian, 0.0022%; no homozygotes.

Submission:

Labcorp Genetics (formerly Invitae), Labcorp
Classification: Uncertain significance. Last evaluated: 2021-04-02. Review status: criteria provided, single submitter. Criteria: Invitae Variant Classification Sherloc (09022015). Collection method: clinical testing. Allele origin: germline.
Comment: In summary, the available evidence is currently insufficient to determine the role of this variant in disease. Therefore, it has been classified as a Variant of Uncertain Significance. Algorithms developed to predict the effect of missense changes on protein structure and function are either unavailable or do not agree on the potential impact of this missense change (SIFT: "Deleterious"; PolyPhen-2: "Probably Damaging"; Align-GVGD: "Class C0"). This variant has not been reported in the literature in individuals with IL21-related conditions. This variant is not present in population databases (ExAC no frequency). This sequence change replaces arginine with cysteine at codon 34 of the IL21 protein (p.Arg34Cys). The arginine residue is moderately conserved and there is a large physicochemical difference between arginine and cysteine.